The following is an entry in ClinVar:

NM_024721.5(ZFHX4):c.2330A>C (p.Asn777Thr)

Gene: ZFHX4 (zinc finger homeobox 4; plus strand). Cytogenetic location: 8q21.13.
Variant type: single nucleotide variant.
Coding change: c.2330A>C on transcript NM_024721.5 (MANE Select); coding-DNA position 2330, A replaced by C.
Protein change: p.Asn777Thr; replaces asparagine 777 with threonine.
Molecular consequence: missense variant.
Genome position (GRCh38, 1-based): chr8:76,706,418, A>C. VCF-style: chr8-76706418-A-C. GRCh37 (hg19) VCF-style: chr8-77618653-A-C.
Other names: c.2330A>C, p.Asn777Thr (NM_001410934.1); short protein forms N777T.
Identifiers: ClinVar variation 3900303 (VCV003900303.1).
Genomic context (GRCh38, chr8:76,706,418, plus strand): 5'-CTCCGTCCAAACCCAAACAGAAACCCACCTGGCGGTGTGAAGTTTGTGATTATGAAACCA[A>C]TGTCGCCAGGAACCTCCGAATTCATATGACCAGCGAAAAGCACATGCATAATATGATGCT-3'
Protein context (NP_078997.4, residues 767-787): WRCEVCDYET[Asn777Thr]VARNLRIHMT

ClinVar aggregate classification (germline): Uncertain significance (1 of 4 stars; one submission).

Submission:

GeneDx
Classification: Uncertain significance. Last evaluated: 2023-07-24. Review status: criteria provided, single submitter. Criteria: GeneDx Variant Classification Process June 2021. Collection method: clinical testing. Allele origin: germline. Affected: yes.
Comment: Not observed at significant frequency in large population cohorts (gnomAD); In silico analysis supports that this missense variant has a deleterious effect on protein structure/function; Has not been previously published as pathogenic or benign to our knowledge; Variants in candidate genes are classified as variants of uncertain significance in accordance with ACMG guidelines (Richards et al., 2015)